The following is an entry in ClinVar:

ClinVar aggregate classification (germline): Uncertain significance. Review status: criteria provided, single submitter (1 of 4 stars). 2 submissions from 2 submitters: Uncertain significance (1). 1 of the submissions does not count toward it. Last evaluated 2023-10-04.

Conditions:
Lethal osteosclerotic bone dysplasia (RNS). Also called: Osteomalacia, sclerosing, with cerebral calcification. Identifiers: Orphanet 1832, MedGen C1850106, MONDO:0009821, OMIM 259775.

Allele frequency attached by ClinVar (database versions not stated): gnomAD 0.00001.

Submissions (2):

Labcorp Genetics (formerly Invitae), Labcorp
Classification: Uncertain significance. Last evaluated: 2023-10-04. Review status: criteria provided, single submitter. Criteria: Invitae Variant Classification Sherloc (09022015). Collection method: clinical testing. Allele origin: germline.
Comment: This sequence change replaces glycine, which is neutral and non-polar, with arginine, which is basic and polar, at codon 266 of the FAM20C protein (p.Gly266Arg). This variant is present in population databases (no rsID available, gnomAD 0.007%). This missense change has been observed in individual(s) with Raine syndrome (PMID: 19250384). It has also been observed to segregate with disease in related individuals. ClinVar contains an entry for this variant (Variation ID: 30877). Advanced modeling of protein sequence and biophysical properties (such as structural, functional, and spatial information, amino acid conservation, physicochemical variation, residue mobility, and thermodynamic stability) performed at Invitae indicates that this missense variant is not expected to disrupt FAM20C protein function. In summary, the available evidence is currently insufficient to determine the role of this variant in disease. Therefore, it has been classified as a Variant of Uncertain Significance.

OMIM
Classification: Pathogenic for RAINE SYNDROME. Last evaluated: 2009-03-01. Review status: no assertion criteria provided. Collection method: literature only. Allele origin: germline. Not counted in ClinVar's aggregate classification.

Literature cited by the submitters: PubMed 19250384 (cited by Labcorp Genetics (formerly Invitae), Labcorp and OMIM).

NM_020223.4(FAM20C):c.796G>A (p.Gly266Arg)

Gene: FAM20C (FAM20C golgi associated secretory pathway kinase; plus strand). Cytogenetic location: 7p22.3.
Variant type: single nucleotide variant.
Coding change: c.796G>A on transcript NM_020223.4 (MANE Select); coding-DNA position 796, G replaced by A.
Protein change: p.Gly266Arg; replaces glycine 266 with arginine.
Molecular consequence: missense variant.
Genome position (GRCh38, 1-based): chr7:208,909, G>A. VCF-style: chr7-208909-G-A. GRCh37 (hg19) VCF-style: chr7-208909-G-A.
Other names: short protein forms G266R.
Identifiers: ClinVar variation 30877 (VCV000030877.7), dbSNP rs796051875, ClinGen allele CA250059.